The following is an entry in ClinVar:

ClinVar aggregate classification (germline): Uncertain significance (1 of 4 stars; one submission).

Conditions:
Tuberous sclerosis 2 (TSC2). Identifiers: Orphanet 805, MedGen C1860707, MONDO:0013199, OMIM 613254.

Submission:

Labcorp Genetics (formerly Invitae), Labcorp
Classification: Uncertain significance for Tuberous sclerosis 2. Last evaluated: 2023-05-19. Review status: criteria provided, single submitter. Criteria: Invitae Variant Classification Sherloc (09022015). Collection method: clinical testing. Allele origin: germline.
Comment: In summary, the available evidence is currently insufficient to determine the role of this variant in disease. Therefore, it has been classified as a Variant of Uncertain Significance. Advanced modeling of protein sequence and biophysical properties (such as structural, functional, and spatial information, amino acid conservation, physicochemical variation, residue mobility, and thermodynamic stability) performed at Invitae indicates that this missense variant is not expected to disrupt TSC2 protein function. This variant has not been reported in the literature in individuals affected with TSC2-related conditions. This variant is not present in population databases (gnomAD no frequency). This sequence change replaces tyrosine, which is neutral and polar, with histidine, which is basic and polar, at codon 648 of the TSC2 protein (p.Tyr648His).

NM_000548.5(TSC2):c.1942T>C (p.Tyr648His)

Gene: TSC2 (TSC complex subunit 2; plus strand). Cytogenetic location: 16p13.3.
Variant type: single nucleotide variant.
Coding change: c.1942T>C on transcript NM_000548.5 (MANE Select); coding-DNA position 1942, T replaced by C.
Protein change: p.Tyr648His; replaces tyrosine 648 with histidine.
Molecular consequence: missense variant. On other transcripts: non-coding transcript variant (5).
Genome position (GRCh38, 1-based): chr16:2,071,612, T>C. VCF-style: chr16-2071612-T-C. GRCh37 (hg19) VCF-style: chr16-2121613-T-C.
Other names: c.1942T>C, p.Tyr648His (NM_001077183.3, NM_001114382.3, NM_001363528.2 and 6 more transcripts); c.1831T>C, p.Tyr611His (NM_001318827.2, NM_001406678.1, NM_001406670.1); c.1795T>C, p.Tyr599His (NM_001318829.2, NM_001406679.1, NM_001406675.1 and 1 more transcripts); c.1342T>C, p.Tyr448His (NM_001318831.2, NM_001406680.1, NM_001406682.1 and 6 more transcripts); c.1975T>C, p.Tyr659His (NM_001318832.2); c.1885T>C, p.Tyr629His (NM_001406677.1); c.1480T>C, p.Tyr494His (NM_001406681.1); c.598T>C, p.Tyr200His (NM_001406696.1, NM_001406697.1, NM_001406689.1 and 6 more transcripts); and 3 more; short protein forms Y200H, Y448H, Y494H, Y644H, Y648H, Y659H, Y599H, Y629H.
Identifiers: ClinVar variation 2711441 (VCV002711441.3), dbSNP rs2543680976, ClinGen allele CA394273393.